The following is an entry in ClinVar:

ClinVar aggregate classification (germline): Uncertain significance (1 of 4 stars; one submission).

gnomAD v4.1: 128 of 1,536,044 alleles (0.0083%); highest among the groups gnomAD compares: South Asian, 0.14%; 2 homozygotes.

Submission:

Labcorp Genetics (formerly Invitae), Labcorp
Classification: Uncertain significance. Last evaluated: 2024-04-25. Review status: criteria provided, single submitter. Criteria: Invitae Variant Classification Sherloc (09022015). Collection method: clinical testing. Allele origin: germline.
Comment: The FMN1 gene has multiple clinically relevant transcripts. This variant occurs in alternate transcript NM_001277314.1, and corresponds to NM_001103184.3:c.-86987C>T in the primary transcript. This sequence change replaces threonine, which is neutral and polar, with methionine, which is neutral and non-polar, at codon 15 of the FMN1 protein (p.Thr15Met). This variant is present in population databases (rs752082237, gnomAD 0.1%), and has an allele count higher than expected for a pathogenic variant. This variant has not been reported in the literature in individuals affected with FMN1-related conditions. Experimental studies and prediction algorithms are not available or were not evaluated, and the functional significance of this variant is currently unknown. In summary, the available evidence is currently insufficient to determine the role of this variant in disease. Therefore, it has been classified as a Variant of Uncertain Significance.

NM_001277313.2(FMN1):c.44C>T (p.Thr15Met)

Gene: FMN1 (formin 1; minus strand). Cytogenetic location: 15q13.3.
Variant type: single nucleotide variant.
Coding change: c.44C>T on transcript NM_001277313.2 (MANE Select); coding-DNA position 44, C replaced by T.
Protein change: p.Thr15Met; replaces threonine 15 with methionine.
Molecular consequence: missense variant.
Genome position (GRCh38, 1-based): chr15:33,154,871, G>A on the plus strand (C>T on the coding strand, the complement: FMN1 is on the minus strand). VCF-style: chr15-33154871-G-A. GRCh37 (hg19) VCF-style: chr15-33447072-G-A.
Other names: c.44C>T, p.Thr15Met (NM_001277314.2); short protein forms T15M.
Identifiers: ClinVar variation 3707697 (VCV003707697.2).